The following is an entry in ClinVar:

ClinVar aggregate classification (germline): Uncertain significance. Review status: reviewed by expert panel (3 of 4 stars). 12 submissions from 12 submitters: Uncertain significance (1). 11 of the submissions do not count toward it. Last evaluated 2024-04-02.

Conditions:
Glycogen storage disease, type II (IOPD). Also called: POMPE DISEASE, INFANTILE-ONSET; GLYCOGEN STORAGE DISEASE II, INFANTILE-ONSET; ACID ALPHA-GLUCOSIDASE DEFICIENCY, INFANTILE-ONSET; GAA DEFICIENCY, INFANTILE-ONSET; ACID MALTASE DEFICIENCY, INFANTILE-ONSET; Glucosidase acid-1,4-alpha deficiency. Identifiers: Orphanet 365, MedGen C0017921, MONDO:0009290, OMIM 232300.

Allele frequency attached by ClinVar (database versions not stated): TOPMed 0.00001; gnomAD 0.00002 and 0.00003.
gnomAD v4.1: 20 of 1,613,588 alleles (0.0012%); highest among the groups gnomAD compares: South Asian, 0.0055%; no homozygotes.

Submissions (12):

ClinGen Lysosomal Storage Disorder Variant Curation Expert Panel
Classification: Uncertain significance for Glycogen storage disease, type II. Last evaluated: 2024-04-02. Review status: reviewed by expert panel. Criteria: clingen_lsd_acmg_specifications_v2-1. Collection method: curation. Allele origin: germline. Inheritance: Autosomal recessive inheritance.
Comment: The NM_000152.5:c.971C>T variant in GAA is a missense variant predicted to cause substitution of Proline by Leucine at amino acid 324 (p.Pro324Leu). One patient is reported to be compound heterozygous for the variant and c.794G>A (p.Ser265Asn). However the clinical symptoms were not consistent with Pompe disease. Another patient, with history of muscle weakness, had documented GAA deficiency in leukocytes after immunoprecipitation, 15% of normal mean control level, which does not meet the LD VCEP's threshold for PP4. IN addition, the cDNA changes for the variants in this patient was not provided, and therefore this data was not included (PMID:11071489) (PP4 not met). The highest population minor allele frequency in gnomAD v2.1.1 is 0.00004014 (1/24914 alleles) in the African /African American population, which is lower than the ClinGen LSD VCEP’s threshold for PM2_Supporting (<0.001), meeting this criterion. The computational predictor REVEL gives a score of 0.788 which is above the threshold predicting a damaging (>0.7) impact on GAA function (PP3). When expressed in CHO cells, the variant has activity >2% normal but, because further details are not available regarding the activity of the variant, PS3 was not applied. There is a ClinVar entry for this variant (Variant ID: 431990). In summary, the variant meets the criteria to be classified as a variant of uncertain significance for Pompe disease, based on the GAA-specific ACMG/AMP criteria applied, as specified by the ClinGen Lysosomal Storage Disorders Variant Curation Expert panel (specifications version 2.0): PM2_Supporting, PP3. (The classification was first approved by the ClinGen Lysosomal Diseases Variant Curation Expert Panel on Oct. 4th, 2022. The classification was re-evaluated and re-approved on April 2, 2024).

Genomenon, Inc
Classification: Uncertain significance for Glycogen storage disease, type II. Last evaluated: 2026-07-01. Review status: criteria provided, single submitter. Criteria: Genomenon Sequence Variant Interpretation Standards - Updated. Collection method: curation. Allele origin: germline. Affected: yes. Not counted in ClinVar's aggregate classification.
Comment: GAA p.Pro324Leu (c.971C>T) is a missense variant that changes the amino acid at codon 324 from Proline to Leucine. This variant has been observed in at least one proband with a GAA-related disorder in the compound heterozygous and/or homozygous state (PMID:37087815;34864681). Functional studies have been reported (PMID:19862843). It is absent or not present at a significant frequency in gnomAD. In silico models predict that this variant is possibly or probably damaging. In conclusion, we classify GAA p.Pro324Leu (c.971C>T) as a variant of uncertain significance.

Natera, Inc.
Classification: Likely pathogenic for Glycogen storage disease type II. Last evaluated: 2025-10-10. Review status: criteria provided, single submitter. Criteria: Natera Variant Classification Schema (03/2026). Collection method: clinical testing. Allele origin: germline. Not counted in ClinVar's aggregate classification.
Comment: The c.971C>T variant in GAA is a missense variant predicted to cause substitution of proline to leucine at amino acid 324. This variant is rare in the general population with a frequency below the threshold expected for the associated phenotype(s). This variant has been observed in one or more individuals affected with the associated recessive disease, as either homozygous or compound heterozygous with a second variant (PMID: 11071489, 34864681, 37087815). Functional studies show that this variant may disrupt protein function (PMID: 19862843). Computational prediction algorithms indicate this variant is likely to affect gene or protein function. Given the available evidence, this variant is classified as Likely Pathogenic.

Revvity Omics, Revvity
Classification: Uncertain significance. Last evaluated: 2025-07-10. Review status: criteria provided, single submitter. Criteria: ACMG Guidelines, 2015. Collection method: clinical testing. Allele origin: germline. Not counted in ClinVar's aggregate classification.

Blueprint Genetics
Classification: Uncertain significance. Last evaluated: 2023-05-08. Review status: criteria provided, single submitter. Criteria: ACMG Guidelines, 2015. Collection method: clinical testing. Allele origin: germline. Not counted in ClinVar's aggregate classification.

Labcorp Genetics (formerly Invitae), Labcorp
Classification: Uncertain significance for Glycogen storage disease, type II. Last evaluated: 2022-08-05. Review status: criteria provided, single submitter. Criteria: Invitae Variant Classification Sherloc (09022015). Collection method: clinical testing. Allele origin: germline. Not counted in ClinVar's aggregate classification.
Comment: This sequence change replaces proline, which is neutral and non-polar, with leucine, which is neutral and non-polar, at codon 324 of the GAA protein (p.Pro324Leu). The frequency data for this variant in the population databases is considered unreliable, as metrics indicate poor data quality at this position in the gnomAD database. This missense change has been observed in individual(s) with clinical features of GAA-related conditions (PMID: 11071489, 34864681). ClinVar contains an entry for this variant (Variation ID: 431990). Advanced modeling of protein sequence and biophysical properties (such as structural, functional, and spatial information, amino acid conservation, physicochemical variation, residue mobility, and thermodynamic stability) performed at Invitae indicates that this missense variant is expected to disrupt GAA protein function. Experimental studies are conflicting or provide insufficient evidence to determine the effect of this variant on GAA function (PMID: 19862843). In summary, the available evidence is currently insufficient to determine the role of this variant in disease. Therefore, it has been classified as a Variant of Uncertain Significance.

Genome-Nilou Lab
Classification: Likely pathogenic for Glycogen storage disease, type II. Last evaluated: 2021-07-22. Review status: criteria provided, single submitter. Criteria: ACMG Guidelines, 2015. Collection method: clinical testing. Allele origin: germline. Affected: no. Not counted in ClinVar's aggregate classification.

GeneDx
Classification: Likely pathogenic. Last evaluated: 2020-09-02. Review status: criteria provided, single submitter. Criteria: GeneDx Variant Classification Process June 2021. Collection method: clinical testing. Allele origin: germline. Affected: yes. Not counted in ClinVar's aggregate classification.
Comment: Functional studies found that P324L is associated with reduced acid alpha-glucosidase compared to wild-type (Flanagan et al., 2009); Not observed at a significant frequency in large population cohorts (Lek et al., 2016); In silico analysis, which includes protein predictors and evolutionary conservation, supports a deleterious effect; This variant is associated with the following publications: (PMID: 11071489, 19862843)

Broad Center for Mendelian Genomics, Broad Institute of MIT and Harvard
Classification: Uncertain significance for Glycogen storage disease, type II. Last evaluated: 2020-01-22. Review status: criteria provided, single submitter. Criteria: ACMG Guidelines, 2015. Collection method: curation. Allele origin: germline. Inheritance: Autosomal recessive inheritance. Not counted in ClinVar's aggregate classification.
Comment: This variant has been identified in 0.004% (1/24914) of African chromosomes, 0.003% (1/30616) of South Asian chromosomes and 0.0007754% (1/128970) of European (non-Finnish) chromosomes by the Genome Aggregation Database (gnomAD; dbSNP rs750030887). Although this variant has been seen in the general population, its frequency is low enough to be consistent with a recessive carrier frequency. In vitro functional studies with COS cells transfected with this variant provide some evidence that the p.Pro324Leu variant may impact GAA processing based on Western Blots (PMID: 19862843). However, these types of assays may not accurately represent biological function. Computational prediction tools and conservation analyses suggest that this variant may impact the protein, though this information is not predictive enough to determine pathogenicity. This variant was reported in combination with a rare nonsense variant and in an individual with Glycogen Storage Disease II (PMID: 11071489). In summary, while there is some suspicion for a pathogenic role, the clinical significance of this variant is uncertain. ACMG/AMP Criteria applied: PM2, PP3 (Richards 2015).

Women's Health and Genetics/Laboratory Corporation of America, LabCorp
Classification: Likely pathogenic for Glycogen storage disease, type II. Last evaluated: 2017-10-30. Review status: criteria provided, single submitter. Criteria: LabCorp Variant Classification Summary - May 2015. Collection method: clinical testing. Allele origin: germline. Not counted in ClinVar's aggregate classification.
Comment: Variant summary: The GAA c.971C>T (p.Pro324Leu) variant involves the alteration of a conserved nucleotide. 5/5 in silico tools predict a damaging outcome for this variant. This variant was found in 2/246128 control chromosomes at a frequency of 0.0000081, which does not exceed the estimated maximal expected allele frequency of a pathogenic GAA variant (0.0042205). The variant was reported in a patient with severe infantile form of Pompe disease who carried a second second GAA mutation (W490X) and had 15% residual GAA activity (Laforet_2000). Additionally, a functional study performed in COS-7 cells showed the variant to have reduced GAA activity and GAA protein compared to wild-type (Flanagan_2009). In addition, one clinical diagnostic laboratory classified this variant as likely pathogenic. Taken together, this variant is classified as likely pathogenic.

Suma Genomics
Classification: Uncertain significance for Glycogen storage disease, type II. Review status: criteria provided, single submitter. Criteria: ACMG Guidelines, 2015. Collection method: clinical testing. Allele origin: inherited. Inheritance: Autosomal recessive inheritance. Affected: yes. Not counted in ClinVar's aggregate classification.

Counsyl
Classification: Uncertain significance for Glycogen storage disease, type II. Last evaluated: 2017-10-24. Review status: no assertion criteria provided. Collection method: clinical testing. Allele origin: unknown. Not counted in ClinVar's aggregate classification.

Literature cited by the submitters: PubMed 37087815 (cited by Genomenon, Inc and Natera, Inc.); PubMed 34864681 (cited by 3 submitters); PubMed 19862843 (cited by 5 submitters); PubMed 11071489 (cited by 4 submitters); PubMed 16782080 (cited by Women's Health and Genetics/Laboratory Corporation of America, LabCorp).

NM_000152.5(GAA):c.971C>T (p.Pro324Leu)

Gene: GAA (alpha glucosidase; plus strand). Cytogenetic location: 17q25.3.
Variant type: single nucleotide variant.
Coding change: c.971C>T on transcript NM_000152.5 (MANE Select); coding-DNA position 971, C replaced by T.
Protein change: p.Pro324Leu; replaces proline 324 with leucine.
Molecular consequence: missense variant.
Genome position (GRCh38, 1-based): chr17:80,108,305, C>T. VCF-style: chr17-80108305-C-T. GRCh37 (hg19) VCF-style: chr17-78082104-C-T.
Other names: NM_000152.5(GAA):c.971C>T; c.971C>T, p.Pro324Leu (NM_001079803.3, NM_001079804.3); c.971C>T (NM_000152.4, LRG_673t1); short protein forms P324L.
Identifiers: ClinVar variation 431990 (VCV000431990.25), dbSNP rs750030887, ClinGen allele CA8815119.